The following is an entry in ClinVar:

NM_005413.4(SIX3):c.130_141dup (p.Gly47_Ser48insAlaGlyGlyGly)

Gene: SIX3 (SIX homeobox 3; plus strand). Cytogenetic location: 2p21.
Variant type: Duplication.
Coding change: c.130_141dup on transcript NM_005413.4 (MANE Select); coding-DNA positions 130 to 141, 12 bases duplicated (GCGGGAGGCGGC).
Protein change: p.Gly47_Ser48insAlaGlyGlyGly.
Molecular consequence: inframe insertion.
Genome position (GRCh38, 1-based): chr2:44,942,234-44,942,245, GCGGGAGGCGGC duplicated; duplicating any 12 consecutive bases within chr2:44,942,228-44,942,245 gives the same sequence; the c. name uses the placement nearest the transcript's 3' end. VCF-style (leftmost placement, unchanged base first): chr2-44942227-C-CGGCGGCGCGGGA. GRCh37 (hg19) VCF-style: chr2-45169366-C-CGGCGGCGCGGGA.
Identifiers: ClinVar variation 2090755 (VCV002090755.4), dbSNP rs2466513068, ClinGen allele CA2576956287.
Genomic context (GRCh38, chr2:44,942,227, plus strand): 5'-TTCTCACCACCGCTCCATACTTCTGGCGAGTAGCGGCGGCGGGAACGGTGCGGGAGGCGG[C>CGGCGGCGCGGGA]GGCGGCGCGGGAGGCGGCAGCGGCGGCGGGAACGGTGCGGGAGGCGGCGGTGCTGGCGGA-3'

ClinVar aggregate classification (germline): Uncertain significance (1 of 4 stars; one submission).

Conditions:
Holoprosencephaly 2 (HPE2). Identifiers: Orphanet 2162, MedGen C1834877, MONDO:0007999, OMIM 157170.

Submission:

Labcorp Genetics (formerly Invitae), Labcorp
Classification: Uncertain significance for Holoprosencephaly 2. Last evaluated: 2022-03-17. Review status: criteria provided, single submitter. Criteria: Invitae Variant Classification Sherloc (09022015). Collection method: clinical testing. Allele origin: germline.
Comment: In summary, the available evidence is currently insufficient to determine the role of this variant in disease. Therefore, it has been classified as a Variant of Uncertain Significance. Experimental studies and prediction algorithms are not available or were not evaluated, and the functional significance of this variant is currently unknown. This variant has not been reported in the literature in individuals affected with SIX3-related conditions. This variant is not present in population databases (gnomAD no frequency). This variant, c.130_141dup, results in the insertion of 4 amino acid(s) of the SIX3 protein (p.Ala44_Gly47dup), but otherwise preserves the integrity of the reading frame.